The following is an entry in ClinVar:

ClinVar aggregate classification (germline): Uncertain significance (1 of 4 stars; one submission).

Submission:

Labcorp Genetics (formerly Invitae), Labcorp
Classification: Uncertain significance. Last evaluated: 2024-10-13. Review status: criteria provided, single submitter. Criteria: Invitae Variant Classification Sherloc (09022015). Collection method: clinical testing. Allele origin: germline.
Comment: This sequence change replaces leucine, which is neutral and non-polar, with glutamine, which is neutral and polar, at codon 802 of the TAOK2 protein (p.Leu802Gln). This variant is not present in population databases (gnomAD no frequency). This variant has not been reported in the literature in individuals affected with TAOK2-related conditions. An algorithm developed to predict the effect of missense changes on protein structure and function (PolyPhen-2) suggests that this variant is likely to be tolerated. In summary, the available evidence is currently insufficient to determine the role of this variant in disease. Therefore, it has been classified as a Variant of Uncertain Significance.

NM_016151.4(TAOK2):c.2405T>A (p.Leu802Gln)

Gene: TAOK2 (TAO kinase 2; plus strand). Cytogenetic location: 16p11.2.
Variant type: single nucleotide variant.
Coding change: c.2405T>A on transcript NM_016151.4 (MANE Select); coding-DNA position 2405, T replaced by A.
Protein change: p.Leu802Gln; replaces leucine 802 with glutamine.
Molecular consequence: missense variant. On other transcripts: intron variant (2).
Genome position (GRCh38, 1-based): chr16:29,986,677, T>A. VCF-style: chr16-29986677-T-A. GRCh37 (hg19) VCF-style: chr16-29997998-T-A.
Other names: c.2232+173T>A (NM_004783.4); c.2233-167T>A (NM_001252043.2); short protein forms L802Q.
Identifiers: ClinVar variation 3722846 (VCV003722846.2).